The following is an entry in ClinVar:

NM_212482.4(FN1):c.5274G>T (p.Ser1758=)

Gene: FN1 (fibronectin 1; minus strand). Cytogenetic location: 2q35.
Variant type: single nucleotide variant.
Coding change: c.5274G>T on transcript NM_212482.4 (MANE Select); coding-DNA position 5274, G replaced by T.
Protein change: p.Ser1758=; no amino-acid change (serine 1758 retained).
Molecular consequence: synonymous variant. On other transcripts: intron variant (10).
Genome position (GRCh38, 1-based): chr2:215,380,971, C>A on the plus strand (G>T on the coding strand, the complement: FN1 is on the minus strand). VCF-style: chr2-215380971-C-A. GRCh37 (hg19) VCF-style: chr2-216245694-C-A.
Other names: p.Ser1758=; c.5274G>T (NM_212482.2, NM_212482.3); c.5274G>T, p.Ser1758= (NM_001306129.2); c.5001G>T, p.Ser1667= (NM_001365518.2, NM_001365520.2, NM_001365524.2 and 2 more transcripts); c.4891+1241G>T (NM_212474.3, NM_001306132.2, NM_001365523.2 and 2 more transcripts); c.5164+1241G>T (NM_001306130.2, NM_001365522.2, NM_001365519.2 and 2 more transcripts).
Identifiers: ClinVar variation 1165768 (VCV001165768.16), dbSNP rs34923683, ClinGen allele CA2094184.
Genomic context (GRCh38, chr2:215,380,971, plus strand): 5'-TGCAGTGTCTTCTTCACCATCAGGTGCAGGGAATAGCTCATGGATTCCATCCTCAGGGCT[C>A]GAGTAGGTCACCCTGTACCTGGAAACTTGCCCCTGTGGGCTTTCCCAAGCAATTTTGATG-3'
Protein context (NP_997647.2, residues 1748-1768): GQVSRYRVTY[Ser1758=]SPEDGIHELF

ClinVar aggregate classification (germline): Benign/Likely benign. Review status: criteria provided, multiple submitters, no conflicts (2 of 4 stars). 6 submissions from 6 submitters: Benign (3); Likely benign (2). 1 of the submissions does not count toward it. Last evaluated 2026-02-01.

Conditions:
FN1-related disorder. Also called: FN1-related condition.

Allele frequency attached by ClinVar (database versions not stated): 1000 Genomes Project 30x 0.00547; 1000 Genomes Project 0.00559; ESP Exome Variant Server 0.01584.
gnomAD v4.1: 31,591 of 1,614,172 alleles (2%); highest among the groups gnomAD compares: Non-Finnish European, 2.4%; 390 homozygotes.

Submissions (6):

Labcorp Genetics (formerly Invitae), Labcorp
Classification: Benign. Last evaluated: 2026-02-01. Review status: criteria provided, single submitter. Criteria: Invitae Variant Classification Sherloc (09022015). Collection method: clinical testing. Allele origin: germline.

Blueprint Genetics
Classification: Benign. Last evaluated: 2024-11-26. Review status: criteria provided, single submitter. Criteria: ACMG Guidelines, 2015. Collection method: clinical testing. Allele origin: germline.

Mayo Clinic Laboratories, Mayo Clinic
Classification: Benign. Last evaluated: 2023-09-27. Review status: criteria provided, single submitter. Criteria: ACMG Guidelines, 2015. Collection method: clinical testing. Allele origin: germline. Observed: 4 variant alleles.
Comment: BS1, BS2, BP4, BP7

GeneDx
Classification: Likely benign. Last evaluated: 2020-11-22. Review status: criteria provided, single submitter. Criteria: GeneDx Variant Classification Process June 2021. Collection method: clinical testing. Allele origin: germline. Affected: yes.

Breakthrough Genomics
Classification: Likely benign. Review status: criteria provided, single submitter. Criteria: ACMG Guidelines, 2015. Collection method: not provided. Allele origin: germline. Inheritance: Autosomal dominant inheritance. Affected: yes.

PreventionGenetics, part of Exact Sciences
Classification: Benign for FN1-related condition. Last evaluated: 2019-06-21. Review status: no assertion criteria provided. Collection method: clinical testing. Allele origin: germline. Not counted in ClinVar's aggregate classification.
Comment: This variant is classified as benign based on ACMG/AMP sequence variant interpretation guidelines (Richards et al. 2015 PMID: 25741868, with internal and published modifications).